The following is an entry in ClinVar:

ClinVar aggregate classification (germline): Uncertain significance. Review status: criteria provided, multiple submitters, no conflicts (2 of 4 stars). 5 submissions from 5 submitters: Uncertain significance (4). 1 of the submissions does not count toward it. Last evaluated 2025-07-16.

Conditions:
Hereditary cancer-predisposing syndrome. Also called: Tumor predisposition; Hereditary Cancer Syndrome; Hereditary neoplastic syndrome; Neoplastic Syndromes, Hereditary. Identifiers: Orphanet 140162, MedGen C0027672, MeSH D009386, MONDO:0015356.
Fanconi anemia (FA). Also called: Fanconi's anemia. Identifiers: Orphanet 84, MedGen C0015625, MeSH D005199, MONDO:0019391.
Fanconi anemia complementation group C (FANCC). Also called: FANCONI PANCYTOPENIA, TYPE 3; FACC; FANCC-Related Fanconi Anemia; Fanconi anemia, group C. Identifiers: Orphanet 84, MedGen C3468041, MONDO:0009213, OMIM 227645.

Submissions (5):

Labcorp Genetics (formerly Invitae), Labcorp
Classification: Uncertain significance for Fanconi anemia. Last evaluated: 2025-07-16. Review status: criteria provided, single submitter. Criteria: Invitae Variant Classification Sherloc (09022015). Collection method: clinical testing. Allele origin: germline.
Comment: This variant, c.692_694del, results in the deletion of 1 amino acid(s) of the FANCC protein (p.Lys231del), but otherwise preserves the integrity of the reading frame. This variant is present in population databases (rs3831244, gnomAD 0.01%). This variant has been observed in individual(s) with Fanconi anemia (PMID: 24584348). In at least one individual the data is consistent with being in trans (on the opposite chromosome) from a pathogenic variant. ClinVar contains an entry for this variant (Variation ID: 182466). Experimental studies and prediction algorithms are not available or were not evaluated, and the functional significance of this variant is currently unknown. Algorithms developed to predict the effect of sequence changes on RNA splicing suggest that this variant may disrupt the consensus splice site. In summary, the available evidence is currently insufficient to determine the role of this variant in disease. Therefore, it has been classified as a Variant of Uncertain Significance.

Ambry Genetics
Classification: Uncertain significance for Hereditary cancer-predisposing syndrome. Last evaluated: 2024-02-15. Review status: criteria provided, single submitter. Criteria: Ambry Variant Classification Scheme 2023. Collection method: clinical testing. Allele origin: germline.
Comment: The c.692_694delAGA variant (also known as p.K231del) is located in coding exon 7 of the FANCC gene. This variant results from an in-frame AGA deletion at nucleotide positions 692 to 694. This results in the in-frame deletion of a lysine at codon 231. This alteration has been identified in trans with a truncating mutation (p.Q13*) in one individual with Fanconi anemia (De Rocco D et al. Haematologica, 2014 Jun;99:1022-31). This amino acid position is highly conserved in available vertebrate species. In addition, this alteration is predicted to be deleterious by in silico analysis (Choi Y et al. PLoS ONE. 2012; 7(10):e46688). In silico splice site analysis predicts that this alteration may result in the creation or strengthening of a novel splice acceptor site; however, direct evidence is insufficient at this time (Ambry internal data). Since supporting evidence is limited at this time, the clinical significance of this alteration remains unclear.

Fulgent Genetics
Classification: Uncertain significance for Fanconi anemia complementation group C. Last evaluated: 2024-02-14. Review status: criteria provided, single submitter. Criteria: ACMG Guidelines, 2015. Collection method: clinical testing. Allele origin: germline.

GeneDx
Classification: Uncertain significance. Last evaluated: 2023-03-20. Review status: criteria provided, single submitter. Criteria: GeneDx Variant Classification Process June 2021. Collection method: clinical testing. Allele origin: germline. Affected: yes.
Comment: In-frame deletion of 1 amino acid in a non-repeat region; In silico analysis supports a deleterious effect on protein structure/function; Observed with a pathogenic variant on the opposite allele (in trans) in a patient with Fanconi anemia, but classified as being of uncertain significance per study authors (De Rocco et al., 2014); This variant is associated with the following publications: (PMID: Gordon2000[Book], 24584348, 26033879)

Natera, Inc.
Classification: Uncertain significance for Fanconi anemia. Last evaluated: 2018-05-02. Review status: no assertion criteria provided. Collection method: clinical testing. Allele origin: germline. Not counted in ClinVar's aggregate classification.

Literature cited by the submitters: PubMed 24584348 (cited by Labcorp Genetics (formerly Invitae), Labcorp and Ambry Genetics).

NM_000136.3(FANCC):c.689AGA[1] (p.Lys231del)

Genes: FANCC (FA complementation group C; minus strand), AOPEP (aminopeptidase O (putative); plus strand). Cytogenetic location: 9q22.32.
Variant type: Microsatellite.
Coding change: c.689AGA[1] on transcript NM_000136.3 (MANE Select); one copy of the 3-base unit AGA starting at c.689; the reference has two copies in a row; one copy, 3 bases deleted; also written c.692_694del.
Protein change: p.Lys231del; deletes lysine 231.
Molecular consequence: inframe deletion.
Genome position (GRCh38, 1-based): chr9:95,135,495-95,135,497, TCT deleted on the plus strand (AGA on the coding strand, the reverse complement: FANCC is on the minus strand); deleting any 3 consecutive bases within chr9:95,135,495-95,135,502 gives the same sequence; the position shown is the placement nearest the transcript's 3' end. VCF-style (leftmost placement, unchanged base first): chr9-95135494-ATCT-A. GRCh37 (hg19) VCF-style: chr9-97897776-ATCT-A.
Other names: c.689AGA[1], p.Lys231del (NM_001243743.2, NM_001243744.2); c.692_694del (NM_000136.2, NM_000136.3); short protein forms K231del.
Identifiers: ClinVar variation 182466 (VCV000182466.19), dbSNP rs3831244, ClinGen allele CA299131.